The following is an entry in ClinVar:

ClinVar aggregate classification (germline): Likely benign. Review status: criteria provided, multiple submitters, no conflicts (2 of 4 stars). 3 submissions from 3 submitters: Likely benign (3). Last evaluated 2023-11-29.

Conditions:
Cardiovascular phenotype. Identifiers: MedGen CN230736.
Familial hypobetalipoproteinemia 1. Also called: Hypobetalipoproteinemia, normotriglyceridemic; Acanthocytosis with hypobetalipoproteinemia; APOB-Related Familial Hypobetalipoproteinemia. Identifiers: MedGen C4551990, MONDO:0014252, OMIM 615558.
Hypercholesterolemia, autosomal dominant, type B (FHCL2). Also called: Familial Hypercholesterolemia Type B; APOLIPOPROTEIN B-100, FAMILIAL DEFECTIVE; APOLIPOPROTEIN B-100, FAMILIAL LIGAND-DEFECTIVE; HYPERCHOLESTEROLEMIA, FAMILIAL, DUE TO LIGAND-DEFECTIVE APOLIPOPROTEIN B; Familial hypercholesterolemia 2; APOB-Related Familial Hypercholesterolemia, Autosomal Dominant. Identifiers: MedGen C1704417, MONDO:0007751, OMIM 144010.
Familial hypercholesterolemia. Also called: Familial hypercholesterolaemia; Familial hypercholesterolemias. Identifiers: MedGen C0020445, MONDO:0005439.

Allele frequency attached by ClinVar (database versions not stated): gnomAD 0.00001; TOPMed 0.00001.
gnomAD v4.1: 28 of 1,614,028 alleles (0.0017%); highest among the groups gnomAD compares: Non-Finnish European, 0.0024%; no homozygotes.

Submissions (3):

GENinCode PLC
Classification: Likely benign for Familial hypercholesterolemia. Last evaluated: 2023-11-29. Review status: criteria provided, single submitter. Criteria: ACMG Guidelines, 2015. Collection method: clinical testing. Allele origin: germline.
Comment: This is a synonymous (silent) variant that is not predicted by SpliceAI to impact splicing. In addition, it occurs at a nucleotide that is not conserved. Therefore this variant has been classified as Likely Benign (BP4, BP7).

Labcorp Genetics (formerly Invitae), Labcorp
Classification: Likely benign for Familial hypobetalipoproteinemia 1; Hypercholesterolemia, autosomal dominant, type B. Last evaluated: 2023-05-19. Review status: criteria provided, single submitter. Criteria: Invitae Variant Classification Sherloc (09022015). Collection method: clinical testing. Allele origin: germline.

Ambry Genetics
Classification: Likely benign for Cardiovascular phenotype. Last evaluated: 2019-06-04. Review status: criteria provided, single submitter. Criteria: Ambry Variant Classification Scheme 2023. Collection method: clinical testing. Allele origin: germline.

NM_000384.3(APOB):c.1008C>T (p.Thr336=)

Gene: APOB (apolipoprotein B; minus strand). Cytogenetic location: 2p24.1.
Variant type: single nucleotide variant.
Coding change: c.1008C>T on transcript NM_000384.3 (MANE Select); coding-DNA position 1008, C replaced by T.
Protein change: p.Thr336=; no amino-acid change (threonine 336 retained).
Molecular consequence: synonymous variant.
Genome position (GRCh38, 1-based): chr2:21,033,415, G>A on the plus strand (C>T on the coding strand, the complement: APOB is on the minus strand). VCF-style: chr2-21033415-G-A. GRCh37 (hg19) VCF-style: chr2-21256287-G-A.
Identifiers: ClinVar variation 1791037 (VCV001791037.6), dbSNP rs765904115, ClinGen allele CA042392.